The following is an entry in ClinVar:

ClinVar aggregate classification (germline): Uncertain significance (1 of 4 stars; one submission).

Conditions:
Gastrointestinal stromal tumor. Also called: Gastrointestinal stroma tumor; Gastrointestinal stromal tumor, somatic. Identifiers: Orphanet 44890, MedGen C0238198, MeSH D046152, MONDO:0011719, OMIM 606764, HP:0100723.

Submission:

Labcorp Genetics (formerly Invitae), Labcorp
Classification: Uncertain significance for Gastrointestinal stromal tumor. Last evaluated: 2021-02-03. Review status: criteria provided, single submitter. Criteria: Invitae Variant Classification Sherloc (09022015). Collection method: clinical testing. Allele origin: germline.
Comment: This sequence change creates a premature translational stop signal (p.Lys304*) in the PDGFRA gene. It is expected to result in an absent or disrupted protein product. However, the current clinical and genetic evidence is not sufficient to establish whether loss-of-function variants in PDGFRA cause disease. In summary, the available evidence is currently insufficient to determine the role of this variant in disease. Therefore, it has been classified as a Variant of Uncertain Significance. Algorithms developed to predict the effect of sequence changes on RNA splicing suggest that this variant may create or strengthen a splice site, but this prediction has not been confirmed by published transcriptional studies. This variant has not been reported in the literature in individuals with PDGFRA-related conditions. This variant is not present in population databases (ExAC no frequency).

NM_006206.6(PDGFRA):c.910A>T (p.Lys304Ter)

Gene: PDGFRA (platelet derived growth factor receptor alpha; plus strand). Cytogenetic location: 4q12.
Variant type: single nucleotide variant.
Coding change: c.910A>T on transcript NM_006206.6 (MANE Select); coding-DNA position 910, A replaced by T.
Protein change: p.Lys304Ter; replaces lysine 304 with a stop codon.
Molecular consequence: nonsense.
Genome position (GRCh38, 1-based): chr4:54,267,439, A>T. VCF-style: chr4-54267439-A-T. GRCh37 (hg19) VCF-style: chr4-55133606-A-T.
Other names: c.910A>T, p.Lys304Ter (NM_001347827.2, NM_001347829.2); c.985A>T, p.Lys329Ter (NM_001347828.2); c.949A>T, p.Lys317Ter (NM_001347830.2); short protein forms K304*, K317*, K329*.
Identifiers: ClinVar variation 1407062 (VCV001407062.6), dbSNP rs2110265527, ClinGen allele CA356891370.